The following is an entry in ClinVar:

NM_000059.4(BRCA2):c.6588_6589del (p.Lys2196fs)

Gene: BRCA2 (BRCA2 DNA repair associated; plus strand). Cytogenetic location: 13q13.1.
Variant type: Deletion.
Coding change: c.6588_6589del on transcript NM_000059.4 (MANE Select); coding-DNA positions 6588 to 6589, 2 bases deleted (AA; older notation c.6588_6589delAA).
Protein change: p.Lys2196fs; shifts the reading frame from lysine 2196.
Molecular consequence: frameshift variant.
Genome position (GRCh38, 1-based): chr13:32,340,943-32,340,944, AA deleted; deleting any 2 consecutive bases within chr13:32,340,941-32,340,944 gives the same sequence; the c. name uses the placement nearest the transcript's 3' end. VCF-style (leftmost placement, unchanged base first): chr13-32340940-TAA-T. GRCh37 (hg19) VCF-style: chr13-32915077-TAA-T.
Other names: 6815_6816delAA; c.6588_6589delAA (NM_000059.3).
Identifiers: ClinVar variation 236280 (VCV000236280.14), dbSNP rs397507868, ClinGen allele CA10581589.

ClinVar aggregate classification (germline): Pathogenic. Review status: reviewed by expert panel (3 of 4 stars). 5 submissions from 5 submitters: Pathogenic (1). 4 of the submissions do not count toward it. Last evaluated 2016-04-22.

Conditions:
Breast-ovarian cancer, familial, susceptibility to, 2 (BROVCA2). Also called: BRCA2 Hereditary Breast and Ovarian Cancer. Identifiers: Orphanet 145, MedGen C2675520, MONDO:0012933, OMIM 612555. Disease mechanism: loss of function.
Hereditary cancer-predisposing syndrome. Also called: Neoplastic Syndromes, Hereditary; Hereditary Cancer Syndrome; Tumor predisposition; Hereditary neoplastic syndrome. Identifiers: Orphanet 140162, MedGen C0027672, MeSH D009386, MONDO:0015356.
Hereditary breast ovarian cancer syndrome. Also called: Hereditary breast and ovarian cancer; BRCA1- and BRCA2-Associated Hereditary Breast and Ovarian Cancer; Hereditary breast and ovarian cancer syndrome; Hereditary breast and ovarian cancer syndrome (HBOC); Breast and ovarian cancer; Hereditary breast and/or ovarian cancer syndrome. Identifiers: Orphanet 145, MedGen C0677776, MeSH D061325, MONDO:0003582. Disease mechanism: loss of function.

Submissions (5):

Evidence-based Network for the Interpretation of Germline Mutant Alleles (ENIGMA)
Classification: Pathogenic for Breast-ovarian cancer, familial, susceptibility to, 2. Last evaluated: 2016-04-22. Review status: reviewed by expert panel. Criteria: ENIGMA BRCA1/2 Classification Criteria (2015). Collection method: curation. Allele origin: germline.
Comment: Variant allele predicted to encode a truncated non-functional protein.

Ambry Genetics
Classification: Pathogenic for Hereditary cancer-predisposing syndrome. Last evaluated: 2026-06-02. Review status: criteria provided, single submitter. Criteria: Ambry Variant Classification Scheme 2023. Collection method: clinical testing. Allele origin: germline. Not counted in ClinVar's aggregate classification.
Comment: The c.6588_6589delAA pathogenic mutation, located in coding exon 10 of the BRCA2 gene, results from a deletion of two nucleotides at nucleotide positions 6588 to 6589, causing a translational frameshift with a predicted alternate stop codon (p.K2196Nfs*2). This variant is considered to be rare based on population cohorts in the Genome Aggregation Database (gnomAD). This variant is expected to result in loss of function by premature protein truncation or nonsense-mediated mRNA decay. As such, this variant is interpreted as a disease-causing mutation.

Labcorp Genetics (formerly Invitae), Labcorp
Classification: Pathogenic for Hereditary breast ovarian cancer syndrome. Last evaluated: 2022-10-05. Review status: criteria provided, single submitter. Criteria: Invitae Variant Classification Sherloc (09022015). Collection method: clinical testing. Allele origin: germline. Not counted in ClinVar's aggregate classification.
Comment: This variant is not present in population databases (gnomAD no frequency). For these reasons, this variant has been classified as Pathogenic. ClinVar contains an entry for this variant (Variation ID: 236280). This premature translational stop signal has been observed in individual(s) with increased risk of breast and/or ovarian cancer (PMID: 29446198). This sequence change creates a premature translational stop signal (p.Lys2196Asnfs*2) in the BRCA2 gene. It is expected to result in an absent or disrupted protein product. Loss-of-function variants in BRCA2 are known to be pathogenic (PMID: 20104584).

Laboratory for Molecular Medicine, Mass General Brigham Personalized Medicine
Classification: Likely pathogenic for Hereditary breast ovarian cancer syndrome. Last evaluated: 2019-10-14. Review status: criteria provided, single submitter. Criteria: ACMG Guidelines, 2015. Collection method: clinical testing. Allele origin: germline. Not counted in ClinVar's aggregate classification.
Comment: The p.Lys2196AsnfsX2 variant in BRCA2 has not been previously reported in individuals with hereditary breast and/or ovarian cancer (HBOC) and was absent from large population studies, but has been reported in ClinVar (Variation ID: 236280). This variant is predicted to cause a frameshift, which alters the protein’s amino acid sequence beginning at position 2196 and leads to a premature termination codon 2 amino acids downstream. This alteration is then predicted to lead to a truncated or absent protein. Loss of function of the BRCA2 gene is an established disease mechanism in autosomal dominant HBOC. In summary, although additional studies are required to fully establish its clinical significance, this variant meets criteria to be classified as likely pathogenic for autosomal dominant HBOC. ACMG/AMP Criteria applied: PVS1, PM2.

Consortium of Investigators of Modifiers of BRCA1/2 (CIMBA), c/o University of Cambridge
Classification: Pathogenic for Breast-ovarian cancer, familial, susceptibility to, 2. Last evaluated: 2015-10-02. Review status: criteria provided, single submitter. Criteria: CIMBA Mutation Classification guidelines May 2016. Collection method: clinical testing. Allele origin: germline. Not counted in ClinVar's aggregate classification.

Literature cited by the submitters: PubMed 29446198 (cited by Labcorp Genetics (formerly Invitae), Labcorp); PubMed 20104584 (cited by Labcorp Genetics (formerly Invitae), Labcorp).